The following is an entry in ClinVar:

NC_000005.9:g.(?_112136966)_(112155051_?)del

Gene: APC (APC regulator of Wnt signaling pathway; plus strand). Cytogenetic location: 5q22.2.
Variant type: Deletion.
Identifiers: ClinVar variation 3246379 (VCV003246379.1).

ClinVar aggregate classification (germline): Pathogenic (1 of 4 stars; one submission).

Conditions:
Familial adenomatous polyposis 1 (FAP1). Also called: POLYPOSIS, ADENOMATOUS INTESTINAL; FAMILIAL ADENOMATOUS POLYPOSIS 1, ATTENUATED. Identifiers: MedGen C2713442, MONDO:0021056, OMIM 175100. Disease mechanism: loss of function.

Submission:

Labcorp Genetics (formerly Invitae), Labcorp
Classification: Pathogenic for Familial adenomatous polyposis 1. Last evaluated: 2023-10-19. Review status: criteria provided, single submitter. Criteria: Invitae Variant Classification Sherloc (09022015). Collection method: clinical testing. Allele origin: unknown.
Comment: This variant is a gross deletion of the genomic region encompassing exon(s) 8-10 of the APC gene. This deletion is out-of-frame, and is expected to create a premature termination codon and result in an absent or disrupted protein product. Loss-of-function variants in APC are known to be pathogenic (PMID: 17963004, 20685668). A similar copy number variant has been observed in individual(s) with personal or family history of APC-related conditions (PMID: 23159591). For these reasons, this variant has been classified as Pathogenic.

Literature cited by the submitters: PubMed 17963004; PubMed 20685668; PubMed 23159591.